The following is an entry in ClinVar:

NM_001270508.2(TNFAIP3):c.62T>C (p.Ile21Thr)

Gene: TNFAIP3 (TNF alpha induced protein 3; plus strand). Cytogenetic location: 6q23.3.
Variant type: single nucleotide variant.
Coding change: c.62T>C on transcript NM_001270508.2 (MANE Select); coding-DNA position 62, T replaced by C.
Protein change: p.Ile21Thr; replaces isoleucine 21 with threonine.
Molecular consequence: missense variant.
Genome position (GRCh38, 1-based): chr6:137,871,289, T>C. VCF-style: chr6-137871289-T-C. GRCh37 (hg19) VCF-style: chr6-138192426-T-C.
Other names: c.62T>C, p.Ile21Thr (NM_001270507.2, NM_006290.4); c.62T>C (NM_006290.2); short protein forms I21T.
Identifiers: ClinVar variation 1350116 (VCV001350116.10), dbSNP rs149162594, ClinGen allele CA4019339.
Genomic context (GRCh38, chr6:137,871,289, plus strand): 5'-TGGCTGAACAAGTCCTTCCTCAGGCTTTGTATTTGAGCAATATGCGGAAAGCTGTGAAGA[T>C]ACGGGAGAGAACTCCAGAAGACATTTTTAAACCTACTAATGGGATCATTCATCATTTTAA-3'
Protein context (NP_001257437.1, residues 11-31): YLSNMRKAVK[Ile21Thr]RERTPEDIFK

ClinVar aggregate classification (germline): Uncertain significance. Review status: criteria provided, multiple submitters, no conflicts (2 of 4 stars). 2 submissions from 2 submitters: Uncertain significance (2). Last evaluated 2026-08-03.

Conditions:
Inborn genetic diseases. Identifiers: MedGen C0950123, MeSH D030342.

Allele frequency attached by ClinVar (database versions not stated): gnomAD exomes 0.00001 and 0.00002; ExAC 0.00002; gnomAD 0.00004; TOPMed 0.00006; ESP Exome Variant Server 0.00008.
gnomAD v4.1: 18 of 1,614,014 alleles (0.0011%); highest among the groups gnomAD compares: Admixed American, 0.012%; no homozygotes.

Submissions (2):

Ambry Genetics
Classification: Uncertain significance for Inborn genetic diseases. Last evaluated: 2026-08-03. Review status: criteria provided, single submitter. Criteria: Ambry Variant Classification Scheme 2023. Collection method: clinical testing. Allele origin: germline.
Comment: The c.62T>C (p.I21T) alteration is located in exon 2 (coding exon 1) of the TNFAIP3 gene. This alteration results from a T to C substitution at nucleotide position 62, causing the isoleucine (I) at amino acid position 21 to be replaced by a threonine (T). Based on data from gnomAD, the C allele has an overall frequency of 0.002% (4/251348) total alleles studied. The highest observed frequency was 0.004% (4/113652) of European (non-Finnish) alleles. Based on insufficient or conflicting evidence, the clinical significance of this alteration remains unclear.

Labcorp Genetics (formerly Invitae), Labcorp
Classification: Uncertain significance. Last evaluated: 2025-09-23. Review status: criteria provided, single submitter. Criteria: Invitae Variant Classification Sherloc (09022015). Collection method: clinical testing. Allele origin: germline.
Comment: This sequence change replaces isoleucine, which is neutral and non-polar, with threonine, which is neutral and polar, at codon 21 of the TNFAIP3 protein (p.Ile21Thr). This variant is present in population databases (rs149162594, gnomAD 0.004%). This variant has not been reported in the literature in individuals affected with TNFAIP3-related conditions. ClinVar contains an entry for this variant (Variation ID: 1350116). Invitae Evidence Modeling of protein sequence and biophysical properties (such as structural, functional, and spatial information, amino acid conservation, physicochemical variation, residue mobility, and thermodynamic stability) has been performed for this missense variant. However, the output from this modeling did not meet the statistical confidence thresholds required to predict the impact of this variant on TNFAIP3 protein function. In summary, the available evidence is currently insufficient to determine the role of this variant in disease. Therefore, it has been classified as a Variant of Uncertain Significance.